The following is an entry in ClinVar:

NM_001378452.1(ITPR1):c.5202G>C (p.Gln1734His)

Gene: ITPR1 (inositol 1,4,5-trisphosphate receptor type 1; plus strand). Cytogenetic location: 3p26.1.
Variant type: single nucleotide variant.
Coding change: c.5202G>C on transcript NM_001378452.1 (MANE Select); coding-DNA position 5202, G replaced by C.
Protein change: p.Gln1734His; replaces glutamine 1734 with histidine.
Molecular consequence: missense variant. On other transcripts: intron variant (2).
Genome position (GRCh38, 1-based): chr3:4,727,155, G>C. VCF-style: chr3-4727155-G-C. GRCh37 (hg19) VCF-style: chr3-4768839-G-C.
Other names: c.5157G>C, p.Gln1719His (NM_001168272.2); c.5077-5933G>C (NM_001099952.4); c.5032-5933G>C (NM_002222.7); short protein forms Q1719H, Q1734H.
Identifiers: ClinVar variation 4872091 (VCV004872091.2).

ClinVar aggregate classification (germline): Likely benign (1 of 4 stars; one submission).

gnomAD v4.1: 562 of 1,597,838 alleles (0.035%); highest among the groups gnomAD compares: African/African-American, 0.67%; 3 homozygotes.

Submission:

CeGaT Center for Human Genetics Tuebingen
Classification: Likely benign. Last evaluated: 2026-06-01. Review status: criteria provided, single submitter. Criteria: CeGaT Center For Human Genetics Tuebingen Variant Classification Criteria Version 2. Collection method: clinical testing. Allele origin: germline. Affected: yes. Observed: 1 variant allele.
Comment: ITPR1: BS2